The following is an entry in ClinVar:

NM_001099274.3(TINF2):c.344A>G (p.Tyr115Cys)

Gene: TINF2 (TERF1 interacting nuclear factor 2; minus strand). Cytogenetic location: 14q12.
Variant type: single nucleotide variant.
Coding change: c.344A>G on transcript NM_001099274.3 (MANE Select); coding-DNA position 344, A replaced by G.
Protein change: p.Tyr115Cys; replaces tyrosine 115 with cysteine.
Molecular consequence: missense variant.
Genome position (GRCh38, 1-based): chr14:24,241,730, T>C on the plus strand (A>G on the coding strand, the complement: TINF2 is on the minus strand). VCF-style: chr14-24241730-T-C. GRCh37 (hg19) VCF-style: chr14-24710936-T-C.
Other names: c.239A>G, p.Tyr80Cys (NM_001363668.2); c.344A>G, p.Tyr115Cys (NM_012461.3); short protein forms Y80C, Y115C.
Identifiers: ClinVar variation 1391862 (VCV001391862.6), dbSNP rs1594554700, ClinGen allele CA389233162.
Genomic context (GRCh38, chr14:24,241,730, plus strand): 5'-CTCACCTGCAGCTTCGAGGCCAAATCCACAGGAGCCTCTGACAGCTGCTTCACCTGCTGG[T>C]AAAAAGTTTCCTGTGCCTCCAAAATCTTCCTCAGATCCTGCTTTGTCTGTTGAGGATACA-3'
Protein context (NP_001092744.1, residues 105-125): RKILEAQETF[Tyr115Cys]QQVKQLSEAP

ClinVar aggregate classification (germline): Uncertain significance (1 of 4 stars; one submission).

Conditions:
Dyskeratosis congenita. Identifiers: Orphanet 1775, MedGen C0265965, MONDO:0015780.

Submission:

Labcorp Genetics (formerly Invitae), Labcorp
Classification: Uncertain significance for Dyskeratosis congenita. Last evaluated: 2021-11-06. Review status: criteria provided, single submitter. Criteria: Invitae Variant Classification Sherloc (09022015). Collection method: clinical testing. Allele origin: germline.
Comment: This sequence change replaces tyrosine, which is neutral and polar, with cysteine, which is neutral and slightly polar, at codon 115 of the TINF2 protein (p.Tyr115Cys). In summary, the available evidence is currently insufficient to determine the role of this variant in disease. Therefore, it has been classified as a Variant of Uncertain Significance. Algorithms developed to predict the effect of missense changes on protein structure and function output the following: SIFT: "Tolerated"; PolyPhen-2: "Benign"; Align-GVGD: "Class C0". The cysteine amino acid residue is found in multiple mammalian species, which suggests that this missense change does not adversely affect protein function. This variant has not been reported in the literature in individuals affected with TINF2-related conditions. This variant is not present in population databases (gnomAD no frequency).